The following is an entry in ClinVar:

NM_020631.6(PLEKHG5):c.1258del (p.Asp420fs)

Gene: PLEKHG5 (pleckstrin homology and RhoGEF domain containing G5; minus strand). Cytogenetic location: 1p36.31.
Variant type: Deletion.
Coding change: c.1258del on transcript NM_020631.6 (MANE Select); coding-DNA position 1258, one base deleted (G; older notation c.1258delG).
Protein change: p.Asp420fs; shifts the reading frame from aspartic acid 420.
Molecular consequence: frameshift variant.
Genome position (GRCh38, 1-based): chr1:6,471,511, C deleted on the plus strand (G on the coding strand, the reverse complement: PLEKHG5 is on the minus strand); the first of 4 consecutive C bases (chr1:6,471,511-6,471,514); deleting any one gives the same sequence. VCF-style (leftmost placement, unchanged base first): chr1-6471510-TC-T. GRCh37 (hg19) VCF-style: chr1-6531570-TC-T.
Other names: c.1369del, p.Asp457fs (NM_001042663.3, NM_001265592.2); c.1255delG, p.Asp420Thrfs (NM_001042664.2, NM_001042665.2, NM_001265594.3); c.1462delG, p.Asp489Thrfs (NM_001265593.2); c.1258del, p.Asp420fs (NM_198681.4); short protein forms D420fs, D457fs, D489fs.
Identifiers: ClinVar variation 2135331 (VCV002135331.4), dbSNP rs2523168546, ClinGen allele CA2580062666.

ClinVar aggregate classification (germline): Pathogenic (1 of 4 stars; one submission).

Conditions:
Charcot-Marie-Tooth disease recessive intermediate C. Also called: CHARCOT-MARIE-TOOTH NEUROPATHY, RECESSIVE INTERMEDIATE C. Identifiers: Orphanet 369867, MedGen C3809309, MONDO:0014154, OMIM 615376.
Neuronopathy, distal hereditary motor, autosomal recessive 4. Also called: NEUROPATHY, DISTAL HEREDITARY MOTOR, AUTOSOMAL RECESSIVE 4; Autosomal recessive lower motor neuron disease with childhood onset. Identifiers: Orphanet 206580, MedGen C1970211, MONDO:0012608, OMIM 611067.

Submission:

Labcorp Genetics (formerly Invitae), Labcorp
Classification: Pathogenic for Neuronopathy, distal hereditary motor, autosomal recessive 4; Charcot-Marie-Tooth disease recessive intermediate C. Last evaluated: 2022-05-08. Review status: criteria provided, single submitter. Criteria: Invitae Variant Classification Sherloc (09022015). Collection method: clinical testing. Allele origin: germline.
Comment: For these reasons, this variant has been classified as Pathogenic. This variant has not been reported in the literature in individuals affected with PLEKHG5-related conditions. This variant is not present in population databases (gnomAD no frequency). This sequence change creates a premature translational stop signal (p.Asp420Thrfs*56) in the PLEKHG5 gene. It is expected to result in an absent or disrupted protein product. Loss-of-function variants in PLEKHG5 are known to be pathogenic (PMID: 17564964, 23777631).

Literature cited by the submitters: PubMed 17564964; PubMed 23777631.